The following is an entry in ClinVar:

ClinVar aggregate classification (germline): Uncertain significance (1 of 4 stars; one submission).

Conditions:
Glycogen storage disease, type II (IOPD). Also called: Pompe Disease; CARDIOMEGALIA GLYCOGENICA DIFFUSA; GLYCOGENOSIS, GENERALIZED, CARDIAC FORM; GSD II; POMPE DISEASE, INFANTILE-ONSET; GLYCOGEN STORAGE DISEASE II, INFANTILE-ONSET. Identifiers: Orphanet 365, MedGen C0017921, MONDO:0009290, OMIM 232300.

Submission:

Genomenon, Inc
Classification: Uncertain significance for Glycogen storage disease, type II. Last evaluated: 2026-07-01. Review status: criteria provided, single submitter. Criteria: Genomenon Sequence Variant Interpretation Standards - Updated. Collection method: curation. Allele origin: germline. Affected: no.
Comment: GAA p.Gly665Arg (c.1993G>A) is a missense variant that changes the amino acid at codon 665 from Glycine to Arginine. This variant has been reported in the published literature (PMID:31076647;40225932). It is absent or not present at a significant frequency in gnomAD. In silico models predict that this variant is possibly or probably damaging. In conclusion, we classify GAA p.Gly665Arg (c.1993G>A) as a variant of uncertain significance.

Literature cited by the submitters: PubMed 31076647; PubMed 40225932.

NM_000152.5(GAA):c.1993G>A (p.Gly665Arg)

Gene: GAA (alpha glucosidase; plus strand). Cytogenetic location: 17q25.3.
Variant type: single nucleotide variant.
Coding change: c.1993G>A on transcript NM_000152.5 (MANE Select); coding-DNA position 1993, G replaced by A.
Protein change: p.Gly665Arg; replaces glycine 665 with arginine.
Molecular consequence: missense variant.
Genome position (GRCh38, 1-based): chr17:80,112,980, G>A. VCF-style: chr17-80112980-G-A. GRCh37 (hg19) VCF-style: chr17-78086779-G-A.
Other names: c.1993G>A, p.Gly665Arg (NM_001079803.3, NM_001079804.3, NM_001406741.1 and 1 more transcripts); short protein forms G665R.
Identifiers: ClinVar variation 4876530 (VCV004876530.1).